The following is an entry in ClinVar:

NM_014908.4(DOLK):c.196C>T (p.Gln66Ter)

Gene: DOLK (dolichol kinase; minus strand). Cytogenetic location: 9q34.11.
Variant type: single nucleotide variant.
Coding change: c.196C>T on transcript NM_014908.4 (MANE Select); coding-DNA position 196, C replaced by T.
Protein change: p.Gln66Ter; replaces glutamine 66 with a stop codon.
Molecular consequence: nonsense.
Genome position (GRCh38, 1-based): chr9:128,947,108, G>A on the plus strand (C>T on the coding strand, the complement: DOLK is on the minus strand). VCF-style: chr9-128947108-G-A. GRCh37 (hg19) VCF-style: chr9-131709387-G-A.
Other names: short protein forms Q66*.
Identifiers: ClinVar variation 228618 (VCV000228618.12), dbSNP rs876657785, ClinGen allele CA10576746.
Genomic context (GRCh38, chr9:128,947,108, plus strand): 5'-TGGAGGCGGGCAATAGGCCACTGTTTGCGGACATTCGGAACTGGAAGACGGCGCTTCCCT[G>A]CTGTAGCAGCCGGTCCCACTTGTATTGGACGTAGAAGGCCTGCACTGCGAGGGCCACGGC-3'

ClinVar aggregate classification (germline): Uncertain significance. Review status: criteria provided, multiple submitters, no conflicts (2 of 4 stars). 2 submissions from 2 submitters: Uncertain significance (2). Last evaluated 2022-11-22.

Conditions:
DK1-congenital disorder of glycosylation. Also called: DK1-CDG; CONGENITAL DISORDER OF GLYCOSYLATION, TYPE Im; CDG Im; DK1 DEFICIENCY; DOLICHOL KINASE DEFICIENCY; DOLK-congenital disorder of glycosylation. Identifiers: Orphanet 91131, MedGen C1835849, MONDO:0012556, OMIM 610768.

gnomAD v4.1: 7 of 1,613,970 alleles (0.00043%); highest among the groups gnomAD compares: Non-Finnish European, 0.00042%; no homozygotes.

Submissions (2):

Labcorp Genetics (formerly Invitae), Labcorp
Classification: Uncertain significance for DK1-congenital disorder of glycosylation. Last evaluated: 2022-11-22. Review status: criteria provided, single submitter. Criteria: Invitae Variant Classification Sherloc (09022015). Collection method: clinical testing. Allele origin: germline.
Comment: Experimental studies and prediction algorithms are not available or were not evaluated, and the functional significance of this variant is currently unknown. In summary, the available evidence is currently insufficient to determine the role of this variant in disease. Therefore, it has been classified as a Variant of Uncertain Significance. ClinVar contains an entry for this variant (Variation ID: 228618). This variant has not been reported in the literature in individuals affected with DOLK-related conditions. This variant is not present in population databases (gnomAD no frequency). This sequence change creates a premature translational stop signal (p.Gln66*) in the DOLK gene. While this is not anticipated to result in nonsense mediated decay, it is expected to disrupt the last 473 amino acid(s) of the DOLK protein.

Laboratory for Molecular Medicine, Mass General Brigham Personalized Medicine
Classification: Uncertain significance. Last evaluated: 2015-09-10. Review status: criteria provided, single submitter. Criteria: LMM Criteria. Collection method: clinical testing. Allele origin: germline. Observed: 1 variant allele.
Comment: Variant classified as Uncertain Significance - Favor Pathogenic. The p.Gln66X va riant in DOLK has not been previously reported in individuals with cardiomyopath y and was absent from large population studies. This nonsense variant leads to a premature termination codon at position 66. Because this gene contains only a s ingle exon, this alteration is more likely to escape nonsense mediated decay (NM D) and result in a truncated protein. It is unclear how this alteration will imp act the protein's function. Studies on previously reported DOLK variants suggest that reduced protein function is disease-causing. However, there is limited inf ormation on the variant spectrum of this gene and the significance of truncating variants or complete loss of protein function remain unclear. In summary, while there is some suspicion for a pathogenic role, the clinical significance of the p.Gln66X variant is uncertain.